The following is an entry in ClinVar:

NM_003072.5(SMARCA4):c.3958G>A (p.Asp1320Asn)

Gene: SMARCA4 (SWI/SNF related BAF chromatin remodeling complex subunit ATPase 4; plus strand). Cytogenetic location: 19p13.2.
Variant type: single nucleotide variant.
Coding change: c.3958G>A on transcript NM_003072.5 (MANE Select); coding-DNA position 3958, G replaced by A.
Protein change: p.Asp1320Asn; replaces aspartic acid 1320 with asparagine.
Molecular consequence: missense variant. On other transcripts: non-coding transcript variant (1).
Genome position (GRCh38, 1-based): chr19:11,034,920, G>A. VCF-style: chr19-11034920-G-A. GRCh37 (hg19) VCF-style: chr19-11145596-G-A.
Other names: c.3859G>A, p.Asp1287Asn (NM_001128848.2, NM_001374457.1, NM_001411150.1 and 3 more transcripts); c.3958G>A, p.Asp1320Asn (NM_001128849.3, NM_001387283.1, NM_001128844.3); short protein forms D1287N, D1320N.
Identifiers: ClinVar variation 1736479 (VCV001736479.3), dbSNP rs2146695905, ClinGen allele CA404067996.

ClinVar aggregate classification (germline): Uncertain significance. Review status: criteria provided, multiple submitters, no conflicts (2 of 4 stars). 2 submissions from 2 submitters: Uncertain significance (2). Last evaluated 2025-02-23.

Conditions:
Hereditary cancer-predisposing syndrome. Also called: Neoplastic Syndromes, Hereditary; Tumor predisposition; Hereditary Cancer Syndrome; Hereditary neoplastic syndrome. Identifiers: Orphanet 140162, MedGen C0027672, MeSH D009386, MONDO:0015356.
Rhabdoid tumor predisposition syndrome 2 (RTPS2). Identifiers: Orphanet 231108, Orphanet 69077, MedGen C2750074, MONDO:0013224, OMIM 613325.

Submissions (2):

Labcorp Genetics (formerly Invitae), Labcorp
Classification: Uncertain significance for Rhabdoid tumor predisposition syndrome 2. Last evaluated: 2025-02-23. Review status: criteria provided, single submitter. Criteria: Invitae Variant Classification Sherloc (09022015). Collection method: clinical testing. Allele origin: germline.
Comment: This sequence change replaces aspartic acid, which is acidic and polar, with asparagine, which is neutral and polar, at codon 1320 of the SMARCA4 protein (p.Asp1320Asn). This variant is not present in population databases (gnomAD no frequency). This variant has not been reported in the literature in individuals affected with SMARCA4-related conditions. ClinVar contains an entry for this variant (Variation ID: 1736479). Invitae Evidence Modeling of protein sequence and biophysical properties (such as structural, functional, and spatial information, amino acid conservation, physicochemical variation, residue mobility, and thermodynamic stability) indicates that this missense variant is expected to disrupt SMARCA4 protein function with a positive predictive value of 95%. In summary, the available evidence is currently insufficient to determine the role of this variant in disease. Therefore, it has been classified as a Variant of Uncertain Significance.

Ambry Genetics
Classification: Uncertain significance for Hereditary cancer-predisposing syndrome. Last evaluated: 2021-05-06. Review status: criteria provided, single submitter. Criteria: Ambry Variant Classification Scheme 2023. Collection method: clinical testing. Allele origin: germline.
Comment: The p.D1320N variant (also known as c.3958G>A), located in coding exon 28 of the SMARCA4 gene, results from a G to A substitution at nucleotide position 3958. The aspartic acid at codon 1320 is replaced by asparagine, an amino acid with highly similar properties. Missense and in-frame variants in SMARCA4 are known to cause neurodevelopmental disorders; however, such associations with rhabdoid tumor predisposition syndrome including small cell carcinoma of the ovary-hypercalcemic type (SCCOHT) are exceedingly rare (Kosho T et al. Am J Med Genet C Semin Med Genet. 2014 Sep;166C(3):262-75; Jelinic P et al. Nat Genet. 2014 May;46(5):424-6). This amino acid position is highly conserved in available vertebrate species. In addition, the in silico prediction for this alteration is inconclusive. Since supporting evidence is limited at this time, the clinical significance of this alteration remains unclear.